The following is an entry in ClinVar:

NM_015386.3(COG4):c.2105G>T (p.Arg702Leu)

Gene: COG4 (component of oligomeric golgi complex 4; minus strand). Cytogenetic location: 16q22.1.
Variant type: single nucleotide variant.
Coding change: c.2105G>T on transcript NM_015386.3 (MANE Select); coding-DNA position 2105, G replaced by T.
Protein change: p.Arg702Leu; replaces arginine 702 with leucine.
Molecular consequence: missense variant. On other transcripts: non-coding transcript variant (1).
Genome position (GRCh38, 1-based): chr16:70,481,765, C>A on the plus strand (G>T on the coding strand, the complement: COG4 is on the minus strand). VCF-style: chr16-70481765-C-A. GRCh37 (hg19) VCF-style: chr16-70515668-C-A.
Other names: c.2030G>T, p.Arg677Leu (NM_001195139.2); c.1679G>T, p.Arg560Leu (NM_001365426.1); short protein forms R677L, R560L, R702L.
Identifiers: ClinVar variation 3669828 (VCV003669828.2).
Genomic context (GRCh38, chr16:70,481,765, plus strand): 5'-TGACATGTCTTCCTCAGAGGAGAAACGAGAGCCGCAGACCCATGACCCCTTTACCTTACC[C>A]GGTTAAAGGTGGATTTCAGCACCACTTTCTCCAACTCGACGGCAACAAGGCTAGTCATGA-3'
Protein context (NP_056201.2, residues 692-712): EKVVLKSTFN[Arg702Leu]LGGLQFDKEL

ClinVar aggregate classification (germline): Uncertain significance (1 of 4 stars; one submission).

Conditions:
COG4-congenital disorder of glycosylation. Also called: COG4-CDG; CONGENITAL DISORDER OF GLYCOSYLATION, TYPE IIj; CDG IIj. Identifiers: Orphanet 263501, MedGen C4303552, MONDO:0013281, OMIM 613489.

gnomAD v4.1: 1 of 1,612,196 alleles (0.000062%); highest among the groups gnomAD compares: South Asian, 0.0011%; no homozygotes.

Submission:

Labcorp Genetics (formerly Invitae), Labcorp
Classification: Uncertain significance for COG4-congenital disorder of glycosylation. Last evaluated: 2025-05-02. Review status: criteria provided, single submitter. Criteria: Invitae Variant Classification Sherloc (09022015). Collection method: clinical testing. Allele origin: germline.
Comment: This sequence change replaces arginine, which is basic and polar, with leucine, which is neutral and non-polar, at codon 702 of the COG4 protein (p.Arg702Leu). This variant is not present in population databases (gnomAD no frequency). This variant has not been reported in the literature in individuals affected with COG4-related conditions. ClinVar contains an entry for this variant (Variation ID: 3669828). An algorithm developed to predict the effect of missense changes on protein structure and function (PolyPhen-2) suggests that this variant is likely to be disruptive. In summary, the available evidence is currently insufficient to determine the role of this variant in disease. Therefore, it has been classified as a Variant of Uncertain Significance.